The following is an entry in ClinVar:

NM_020831.6(MRTFA):c.2241_2242delinsGG (p.Ser748Gly)

Gene: MRTFA (myocardin related transcription factor A; minus strand). Cytogenetic location: 22q13.1.
Variant type: Indel.
Coding change: c.2241_2242delinsGG on transcript NM_020831.6 (MANE Select); coding-DNA positions 2241 to 2242, CA replaced by GG.
Protein change: p.Ser748Gly; replaces serine 748 with glycine.
Molecular consequence: missense variant.
Genome position (GRCh38, 1-based): chr22:40,418,496-40,418,497, TG replaced by CC on the plus strand (CA replaced by GG on the coding strand, the reverse complement: MRTFA is on the minus strand). VCF-style: chr22-40418496-TG-CC. GRCh37 (hg19) VCF-style: chr22-40814500-TG-CC.
Other names: c.1941_1942delinsGG, p.Ser648Gly (NM_001282660.2); c.2091_2092delinsGG, p.Ser698Gly (NM_001282661.3); c.2241_2242delinsGG, p.Ser748Gly (NM_001282662.3); c.2046_2047delinsGG, p.Ser683Gly (NM_001318139.2); short protein forms S648G, S683G, S698G, S748G.
Identifiers: ClinVar variation 1682977 (VCV001682977.6), dbSNP rs2147066351, ClinGen allele CA2573158370.

ClinVar aggregate classification (germline): Uncertain significance (1 of 4 stars; one submission).

Submission:

Labcorp Genetics (formerly Invitae), Labcorp
Classification: Uncertain significance. Last evaluated: 2023-10-13. Review status: criteria provided, single submitter. Criteria: Invitae Variant Classification Sherloc (09022015). Collection method: clinical testing. Allele origin: germline.
Comment: This sequence change replaces serine, which is neutral and polar, with glycine, which is neutral and non-polar, at codon 648 of the MKL1 protein (p.Ser648Gly). Information on the frequency of this variant in the gnomAD database is not available, as this variant may be reported differently in the database. This variant has not been reported in the literature in individuals affected with MKL1-related conditions. ClinVar contains an entry for this variant (Variation ID: 1682977). Experimental studies and prediction algorithms are not available or were not evaluated, and the functional significance of this variant is currently unknown. In summary, the available evidence is currently insufficient to determine the role of this variant in disease. Therefore, it has been classified as a Variant of Uncertain Significance.